The following is an entry in ClinVar:

NM_138927.4(SON):c.2571_2630del (p.Thr858_Ala877del)

Gene: SON (SON DNA and RNA binding protein; plus strand). Cytogenetic location: 21q22.11.
Variant type: Deletion.
Coding change: c.2571_2630del on transcript NM_138927.4 (MANE Select); coding-DNA positions 2571 to 2630, 60 bases deleted.
Protein change: p.Thr858_Ala877del.
Molecular consequence: inframe deletion. On other transcripts: inframe indel (3), non-coding transcript variant (1), intron variant (1).
Genome position (GRCh38, 1-based): chr21:33,551,802-33,551,861, 60 bases deleted. GRCh37 (hg19): chr21:34,924,108-34,924,167.
Other names: c.2571_2630del, p.Thr858_Ala877del (NM_001291411.2, NM_032195.3); c.2571_2630del60, p.Thr858_Ala877del (NM_001412133.1, NM_058183.2, NM_138926.1); c.245-5354_245-5295del (NM_001291412.3).
Identifiers: ClinVar variation 2072094 (VCV002072094.4), dbSNP rs2517363959, ClinGen allele CA2580098604.

ClinVar aggregate classification (germline): Uncertain significance (1 of 4 stars; one submission).

Submission:

Labcorp Genetics (formerly Invitae), Labcorp
Classification: Uncertain significance. Last evaluated: 2025-10-13. Review status: criteria provided, single submitter. Criteria: Invitae Variant Classification Sherloc (09022015). Collection method: clinical testing. Allele origin: germline.
Comment: This variant, c.2571_2630del, results in the deletion of 20 amino acid(s) of the SON protein (p.Thr858_Ala877del), but otherwise preserves the integrity of the reading frame. This variant is not present in population databases (gnomAD no frequency). This variant has not been reported in the literature in individuals affected with SON-related conditions. ClinVar contains an entry for this variant (Variation ID: 2072094). Experimental studies and prediction algorithms are not available or were not evaluated, and the functional significance of this variant is currently unknown. In summary, the available evidence is currently insufficient to determine the role of this variant in disease. Therefore, it has been classified as a Variant of Uncertain Significance.